The following is an entry in ClinVar:

NM_001379270.1(CNGA1):c.827G>C (p.Arg276Pro)

Genes: CNGA1 (cyclic nucleotide gated channel subunit alpha 1; minus strand), LOC101927157 (uncharacterized LOC101927157; plus strand). Cytogenetic location: 4p12.
Variant type: single nucleotide variant.
Coding change: c.827G>C on transcript NM_001379270.1 (MANE Select); coding-DNA position 827, G replaced by C.
Protein change: p.Arg276Pro; replaces arginine 276 with proline.
Molecular consequence: missense variant.
Genome position (GRCh38, 1-based): chr4:47,937,655, C>G on the plus strand (G>C on the coding strand, the complement: CNGA1 is on the minus strand). VCF-style: chr4-47937655-C-G. GRCh37 (hg19) VCF-style: chr4-47939672-C-G.
Other names: c.827G>C, p.Arg276Pro (NM_000087.5, NM_001142564.2); short protein forms R276P.
Identifiers: ClinVar variation 2695220 (VCV002695220.3), dbSNP rs375412499, ClinGen allele CA356828107.

ClinVar aggregate classification (germline): Uncertain significance (1 of 4 stars; one submission).

gnomAD v4.1: 1 of 1,614,092 alleles (0.000062%); highest among the groups gnomAD compares: Non-Finnish European, 0.000085%; no homozygotes.

Submission:

Labcorp Genetics (formerly Invitae), Labcorp
Classification: Uncertain significance. Last evaluated: 2023-11-19. Review status: criteria provided, single submitter. Criteria: Invitae Variant Classification Sherloc (09022015). Collection method: clinical testing. Allele origin: germline.
Comment: This sequence change replaces arginine, which is basic and polar, with proline, which is neutral and non-polar, at codon 280 of the CNGA1 protein (p.Arg280Pro). This variant is not present in population databases (gnomAD no frequency). This variant has not been reported in the literature in individuals affected with CNGA1-related conditions. An algorithm developed to predict the effect of missense changes on protein structure and function (PolyPhen-2) suggests that this variant is likely to be disruptive. This variant disrupts the p.Arg280 amino acid residue in CNGA1. Other variant(s) that disrupt this residue have been determined to be pathogenic (Invitae). This suggests that this residue is clinically significant, and that variants that disrupt this residue are likely to be disease-causing. In summary, the available evidence is currently insufficient to determine the role of this variant in disease. Therefore, it has been classified as a Variant of Uncertain Significance.